The following is an entry in ClinVar:

ClinVar aggregate classification (germline): Pathogenic (1 of 4 stars; one submission).

Conditions:
Hypercholesterolemia, familial, 4 (FHCL4). Also called: HYPERCHOLESTEROLEMIA, AUTOSOMAL RECESSIVE, 1; HYPERCHOLESTEROLEMIA, AUTOSOMAL RECESSIVE, 2. Identifiers: Orphanet 391665, MedGen C1863512, MONDO:0011374, OMIM 603813.

Submission:

Labcorp Genetics (formerly Invitae), Labcorp
Classification: Pathogenic for Hypercholesterolemia, familial, 4. Last evaluated: 2023-01-17. Review status: criteria provided, single submitter. Criteria: Invitae Variant Classification Sherloc (09022015). Collection method: clinical testing. Allele origin: unknown.
Comment: For these reasons, this variant has been classified as Pathogenic. This variant has not been reported in the literature in individuals affected with LDLRAP1-related conditions. This variant is a gross deletion of the genomic region encompassing exon(s) 1 of the LDLRAP1 gene, which includes the initiator codon. This deletion extends beyond the assayed region for this gene and therefore may encompass additional genes. It is expected to result in an absent or disrupted protein product. Loss-of-function variants in LDLRAP1 are known to be pathogenic (PMID: 11326085, 12464675).

Literature cited by the submitters: PubMed 11326085; PubMed 12464675.

NC_000001.10:g.(?_25870190)_(25870297_?)del

Gene: LDLRAP1 (low density lipoprotein receptor adaptor protein 1; plus strand). Cytogenetic location: 1p36.11.
Variant type: Deletion.
Identifiers: ClinVar variation 3247771 (VCV003247771.1).